The following is an entry in ClinVar:

NM_004453.4(ETFDH):c.488-6T>C

Gene: ETFDH (electron transfer flavoprotein dehydrogenase; plus strand). Cytogenetic location: 4q32.1.
Variant type: single nucleotide variant.
Coding change: c.488-6T>C on transcript NM_004453.4 (MANE Select); 6 bases into the intron before coding-DNA position 488, T replaced by C.
Molecular consequence: intron variant.
Genome position (GRCh38, 1-based): chr4:158,685,095, T>C. VCF-style: chr4-158685095-T-C. GRCh37 (hg19) VCF-style: chr4-159606247-T-C.
Other names: c.347-6T>C (NM_001281737.2); c.305-6T>C (NM_001281738.1); c.488-6T>C (NM_004453.3).
Identifiers: ClinVar variation 2965157 (VCV002965157.3), dbSNP rs746105363, ClinGen allele CA3122381.

ClinVar aggregate classification (germline): Conflicting classifications of pathogenicity. Review status: criteria provided, conflicting classifications (1 of 4 stars). 2 submissions from 2 submitters: Pathogenic (1); Likely benign (1). Last evaluated 2025-08-06.

Conditions:
Multiple acyl-CoA dehydrogenase deficiency (MADD). Also called: Glutaric acidemia type II; GA 2; Glutaric aciduria, type 2; Glutaric Acidemia type 2; ETHYLMALONIC-ADIPICACIDURIA; GA II. Identifiers: Orphanet 26791, MedGen C0268596, MONDO:0009282, OMIM 231680.

Allele frequency attached by ClinVar (database versions not stated): gnomAD exomes below 0.00001; ExAC 0.00003.
gnomAD v4.1: 4 of 1,508,418 alleles (0.00027%); highest among the groups gnomAD compares: Non-Finnish European, 0.00037%; no homozygotes.

Submissions (2):

Centre for Inherited Metabolic Diseases, Karolinska University Hospital
Classification: Pathogenic for Multiple acyl-CoA dehydrogenase deficiency. Last evaluated: 2025-08-06. Review status: criteria provided, single submitter. Criteria: ACMG Guidelines, 2015. Collection method: clinical testing. Allele origin: unknown. Inheritance: Autosomal recessive inheritance. Affected: yes. Observed: 1 compound heterozygote.
Comment: cDNA analysis has shown that the variant leads to skipping of exon 5 which causes a frameshift and is expected to undergo NMD. The variant on the compound allele is expressed at around 70%, supporting that the fs-allele is degraded. PVS1 is therefore modulated to "strong" according to Walker et al. 2023. The variant is rare in gnomAD - PM2.

Labcorp Genetics (formerly Invitae), Labcorp
Classification: Likely benign for Multiple acyl-CoA dehydrogenase deficiency. Last evaluated: 2023-09-05. Review status: criteria provided, single submitter. Criteria: Invitae Variant Classification Sherloc (09022015). Collection method: clinical testing. Allele origin: germline.